The following is an entry in ClinVar:

NC_000002.11:g.(?_165946660)_(166246334_?)dup

Genes: SCN3A (sodium voltage-gated channel alpha subunit 3; minus strand), SCN2A (sodium voltage-gated channel alpha subunit 2; plus strand), LOC129935043 (ATAC-STARR-seq lymphoblastoid silent region 12066; plus strand), LOC120977013 (Sharpr-MPRA regulatory region 13511; plus strand). Cytogenetic location: 2q24.3.
Variant type: Duplication.
Identifiers: ClinVar variation 584355 (VCV000584355.4).

ClinVar aggregate classification (germline): Uncertain significance. Review status: criteria provided, single submitter (1 of 4 stars). 2 submissions from 1 submitter: Uncertain significance (1). 1 of the submissions does not count toward it. Last evaluated 2022-09-23.

Conditions:
Developmental and epileptic encephalopathy, 11 (DEE11). Also called: Early infantile epileptic encephalopathy 11. Identifiers: Orphanet 1934, MedGen C3150987, MONDO:0013388, OMIM 613721.
Seizures, benign familial infantile, 3 (BFIS3). Also called: Familial neonatal seizures; CONVULSIONS, BENIGN FAMILIAL INFANTILE, 3. Identifiers: Orphanet 140927, Orphanet 306, MedGen C1843140, MONDO:0011904, OMIM 607745.

Submissions (2):

Labcorp Genetics (formerly Invitae), Labcorp
Classification: Uncertain significance for Seizures, benign familial infantile, 3; Developmental and epileptic encephalopathy, 11. Last evaluated: 2022-09-23. Review status: criteria provided, single submitter. Criteria: Invitae Variant Classification Sherloc (09022015). Collection method: clinical testing. Allele origin: germline.
Comment: A copy number gain of the genomic region encompassing the full coding sequence of the SCN2A gene has been identified. The boundaries of this event are unknown as they extend beyond the assayed region for this gene and therefore may encompass additional genes. As the precise location of this event is unknown, it may be in tandem or it may be located elsewhere in the genome. Isolated whole-gene duplications of SCN2A have not been reported in the literature. However, larger copy number events that include this gene have been reported (PMID: 21416599, 21692795, 23016767, 23184456, 26068938). In summary, the available evidence is currently insufficient to determine the role of this variant in disease. Therefore, it has been classified as a Variant of Uncertain Significance.

Labcorp Genetics (formerly Invitae), Labcorp
Classification: Uncertain significance. Last evaluated: 2022-09-23. Review status: flagged submission. Criteria: Invitae Variant Classification Sherloc (09022015). Collection method: clinical testing. Allele origin: germline. Not counted in ClinVar's aggregate classification.
Comment: A copy number gain of the genomic region encompassing the full coding sequence of the SCN3A gene has been identified. The boundaries of this event are unknown as they extend beyond the assayed region for this gene and therefore may encompass additional genes. As the precise location of this event is unknown, it may be in tandem or it may be located elsewhere in the genome. Isolated whole-gene duplications of SCN3A have not been reported in the literature. However, larger copy number events that include this gene have been reported (PMID: 21416599, 21692795, 23016767). In summary, the available evidence is currently insufficient to determine the role of this variant in disease. Therefore, it has been classified as a Variant of Uncertain Significance.
ClinVar note: Reason: This record appears to be redundant with a more recent record from the same submitter.
ClinVar note: Notes: SCV003791579 appears to be redundant with SCV000837611.

Literature cited by the submitters: PubMed 21416599; PubMed 21692795; PubMed 23016767; PubMed 23184456; PubMed 26068938.